The following is an entry in ClinVar:

NM_016464.5(TMEM138):c.377-254_377-249del

Gene: TMEM138 (transmembrane protein 138; plus strand). Cytogenetic location: 11q12.2.
Variant type: Deletion.
Coding change: c.377-254_377-249del on transcript NM_016464.5 (MANE Select); 254 bases into the intron before coding-DNA position 377 through 249 bases into the intron before coding-DNA position 377, 6 bases deleted (AGCCTC; older notation c.377-254_377-249delAGCCTC).
Molecular consequence: intron variant. On other transcripts: 3 prime UTR variant (1).
Genome position (GRCh38, 1-based): chr11:61,368,343-61,368,348, AGCCTC deleted; deleting any 6 consecutive bases within chr11:61,368,338-61,368,348 gives the same sequence; the c. name uses the placement nearest the transcript's 3' end. VCF-style (leftmost placement, unchanged base first): chr11-61368337-TGCCTCA-T. GRCh37 (hg19) VCF-style: chr11-61135809-TGCCTCA-T.
Other names: c.*187_*192del (NM_001410999.1); c.376+345_376+350del (NM_001441181.1, NM_001410998.1, NM_001410997.1); c.300+2127_300+2132del (NM_001441182.1); c.377-257_377-252del (NM_001441180.1); c.203-254_203-249del (NM_001330281.2).
Identifiers: ClinVar variation 5038620 (VCV005038620.1).

ClinVar aggregate classification (germline): Likely benign (1 of 4 stars; one submission).

Submission:

CeGaT Center for Human Genetics Tuebingen
Classification: Likely benign. Last evaluated: 2026-09-01. Review status: criteria provided, single submitter. Criteria: CeGaT Center For Human Genetics Tuebingen Variant Classification Criteria Version 2. Collection method: clinical testing. Allele origin: germline. Affected: yes. Observed: 5 variant alleles.
Comment: TMEM138: PM4, BS2